The following is an entry in ClinVar:

ClinVar aggregate classification (germline): Uncertain significance (1 of 4 stars; one submission).

Allele frequency attached by ClinVar (database versions not stated): ExAC 0.00001; gnomAD exomes 0.00001; gnomAD 0.00005 and 0.00006; TOPMed 0.00007.
gnomAD v4.1: 21 of 1,596,556 alleles (0.0013%); highest among the groups gnomAD compares: African/African-American, 0.023%; no homozygotes.

Submission:

Labcorp Genetics (formerly Invitae), Labcorp
Classification: Uncertain significance. Last evaluated: 2023-08-10. Review status: criteria provided, single submitter. Criteria: Invitae Variant Classification Sherloc (09022015). Collection method: clinical testing. Allele origin: germline.
Comment: This sequence change replaces valine, which is neutral and non-polar, with leucine, which is neutral and non-polar, at codon 18 of the SI protein (p.Val18Leu). This variant is present in population databases (rs769222598, gnomAD 0.02%). This variant has not been reported in the literature in individuals affected with SI-related conditions. ClinVar contains an entry for this variant (Variation ID: 1504674). Algorithms developed to predict the effect of missense changes on protein structure and function output the following: SIFT: "Not Available"; PolyPhen-2: "Benign"; Align-GVGD: "Not Available". The leucine amino acid residue is found in multiple mammalian species, which suggests that this missense change does not adversely affect protein function. In summary, the available evidence is currently insufficient to determine the role of this variant in disease. Therefore, it has been classified as a Variant of Uncertain Significance.

NM_001041.4(SI):c.52G>C (p.Val18Leu)

Gene: SI (sucrase-isomaltase; minus strand). Cytogenetic location: 3q26.1.
Variant type: single nucleotide variant.
Coding change: c.52G>C on transcript NM_001041.4 (MANE Select); coding-DNA position 52, G replaced by C.
Protein change: p.Val18Leu; replaces valine 18 with leucine.
Molecular consequence: missense variant.
Genome position (GRCh38, 1-based): chr3:165,075,961, C>G on the plus strand (G>C on the coding strand, the complement: SI is on the minus strand). VCF-style: chr3-165075961-C-G. GRCh37 (hg19) VCF-style: chr3-164793749-C-G.
Other names: short protein forms V18L.
Identifiers: ClinVar variation 1504674 (VCV001504674.5), dbSNP rs769222598, ClinGen allele CA2691653.